The following is an entry in ClinVar:

NM_000069.3(CACNA1S):c.5045C>T (p.Ser1682Phe)

Gene: CACNA1S (calcium voltage-gated channel subunit alpha1 S; minus strand). Cytogenetic location: 1q32.1.
Variant type: single nucleotide variant.
Coding change: c.5045C>T on transcript NM_000069.3 (MANE Select); coding-DNA position 5045, C replaced by T.
Protein change: p.Ser1682Phe; replaces serine 1682 with phenylalanine.
Molecular consequence: missense variant.
Genome position (GRCh38, 1-based): chr1:201,043,284, G>A on the plus strand (C>T on the coding strand, the complement: CACNA1S is on the minus strand). VCF-style: chr1-201043284-G-A. GRCh37 (hg19) VCF-style: chr1-201012412-G-A.
Other names: short protein forms S1682F.
Identifiers: ClinVar variation 1895489 (VCV001895489.5), dbSNP rs2464410090, ClinGen allele CA344135206.
Genomic context (GRCh38, chr1:201,043,284, plus strand): 5'-TGCTGACATTGTCCTCCCAGTACCTCTACACCCAGGGATGGCAGTGGCCGCCACTACCTG[G>A]AAAACACATGGCTGTTGCTATGGTTGCTGTTGCCATAGGCGACATTGGCGTTGGCATTGT-3'
Protein context (NP_000060.2, residues 1672-1692): NSNHSNSHVF[Ser1682Phe]SVHYEREFPE

ClinVar aggregate classification (germline): Uncertain significance (1 of 4 stars; one submission).

Conditions:
Hypokalemic periodic paralysis, type 1. Also called: Hypokalemic Periodic Paralysis Type 1 (AD); HypoPP. Identifiers: Orphanet 681, MedGen C3714580, MONDO:0042979, OMIM 170400.
Malignant hyperthermia, susceptibility to, 5 (MHS5). Also called: CACNA1S-Related Malignant Hyperthermia Susceptibility. Identifiers: Orphanet 423, MedGen C1866077, MONDO:0011163, OMIM 601887.

Submission:

Labcorp Genetics (formerly Invitae), Labcorp
Classification: Uncertain significance for Hypokalemic periodic paralysis, type 1; Malignant hyperthermia, susceptibility to, 5. Last evaluated: 2022-06-21. Review status: criteria provided, single submitter. Criteria: Invitae Variant Classification Sherloc (09022015). Collection method: clinical testing. Allele origin: germline.
Comment: This variant is not present in population databases (gnomAD no frequency). This variant has not been reported in the literature in individuals affected with CACNA1S-related conditions. Advanced modeling of protein sequence and biophysical properties (such as structural, functional, and spatial information, amino acid conservation, physicochemical variation, residue mobility, and thermodynamic stability) performed at Invitae indicates that this missense variant is not expected to disrupt CACNA1S protein function. In summary, the available evidence is currently insufficient to determine the role of this variant in disease. Therefore, it has been classified as a Variant of Uncertain Significance. This sequence change replaces serine, which is neutral and polar, with phenylalanine, which is neutral and non-polar, at codon 1682 of the CACNA1S protein (p.Ser1682Phe).